The following is an entry in ClinVar:

NM_001003694.2(BRPF1):c.2000A>G (p.Glu667Gly)

Gene: BRPF1 (bromodomain and PHD finger containing 1; plus strand). Cytogenetic location: 3p25.3.
Variant type: single nucleotide variant.
Coding change: c.2000A>G on transcript NM_001003694.2 (MANE Select); coding-DNA position 2000, A replaced by G.
Protein change: p.Glu667Gly; replaces glutamic acid 667 with glycine.
Molecular consequence: missense variant. On other transcripts: intron variant (3).
Genome position (GRCh38, 1-based): chr3:9,742,170, A>G. VCF-style: chr3-9742170-A-G. GRCh37 (hg19) VCF-style: chr3-9783854-A-G.
Other names: c.2000A>G, p.Glu667Gly (NM_001410704.1); c.1983+17A>G (NM_004634.3, NM_001319049.2, NM_001319050.2); short protein forms E667G.
Identifiers: ClinVar variation 3906399 (VCV003906399.1).

ClinVar aggregate classification (germline): Uncertain significance (1 of 4 stars; one submission).

Submission:

GeneDx
Classification: Uncertain significance. Last evaluated: 2024-12-21. Review status: criteria provided, single submitter. Criteria: GeneDx Variant Classification Process June 2021. Collection method: clinical testing. Allele origin: germline. Affected: yes.
Comment: Not observed at significant frequency in large population cohorts (gnomAD); In silico analysis indicates that this missense variant does not alter protein structure/function; In silico analysis is inconclusive as to whether the variant alters gene splicing. In the absence of RNA/functional studies, the actual effect of this sequence change is unknown.; Has not been previously published as pathogenic or benign to our knowledge